The following is an entry in ClinVar:

NM_005359.6(SMAD4):c.607C>G (p.Pro203Ala)

Gene: SMAD4 (SMAD family member 4; plus strand). Cytogenetic location: 18q21.2.
Variant type: single nucleotide variant.
Coding change: c.607C>G on transcript NM_005359.6 (MANE Select); coding-DNA position 607, C replaced by G.
Protein change: p.Pro203Ala; replaces proline 203 with alanine.
Molecular consequence: missense variant.
Genome position (GRCh38, 1-based): chr18:51,054,933, C>G. VCF-style: chr18-51054933-C-G. GRCh37 (hg19) VCF-style: chr18-48581303-C-G.
Other names: p.P203A:CCA>GCA; short protein forms P203A.
Identifiers: ClinVar variation 182868 (VCV000182868.22), dbSNP rs199809905, ClinGen allele CA299958.

ClinVar aggregate classification (germline): Conflicting classifications of pathogenicity. Review status: criteria provided, conflicting classifications (1 of 4 stars). 6 submissions from 6 submitters: Uncertain significance (4); Likely benign (2). Last evaluated 2026-04-30.

Conditions:
Juvenile polyposis syndrome (JPS). Identifiers: Orphanet 2929, MedGen C0345893, MONDO:0017380, OMIM 174900.
Familial thoracic aortic aneurysm and aortic dissection (TAAD). Also called: Thoracic aortic aneurysms and dissections. Identifiers: Orphanet 91387, MedGen C4707243, MONDO:0019625.
Hereditary cancer-predisposing syndrome. Also called: Tumor predisposition; Hereditary Cancer Syndrome; Hereditary neoplastic syndrome; Neoplastic Syndromes, Hereditary. Identifiers: Orphanet 140162, MedGen C0027672, MeSH D009386, MONDO:0015356.
Juvenile polyposis/hereditary hemorrhagic telangiectasia syndrome (JPHT). Also called: JP/HHT SYNDROME; JUVENILE POLYPOSIS WITH HEREDITARY HEMORRHAGIC TELANGIECTASIA; POLYPOSIS, GENERALIZED JUVENILE, WITH PULMONARY ARTERIOVENOUS MALFORMATION; Juvenile Polyposis Syndrome / Hereditary Hemorrhagic Telangiectasia (JPS/HHT); TELANGIECTASIA, HEREDITARY HEMORRHAGIC, WITH JUVENILE POLYPOSIS COLI. Identifiers: Orphanet 2929, MedGen C1832942, MONDO:0008278, OMIM 175050.

gnomAD v4.1: 8 of 1,614,112 alleles (0.0005%); highest among the groups gnomAD compares: Non-Finnish European, 0.00068%; no homozygotes.

Submissions (6):

Ambry Genetics
Classification: Uncertain significance for Hereditary cancer-predisposing syndrome; Familial thoracic aortic aneurysm and aortic dissection. Last evaluated: 2026-04-30. Review status: criteria provided, single submitter. Criteria: Ambry Variant Classification Scheme 2023. Collection method: clinical testing. Allele origin: germline.
Comment: The p.P203A variant (also known as c.607C>G), located in coding exon 4 of the SMAD4 gene, results from a C to G substitution at nucleotide position 607. The proline at codon 203 is replaced by alanine, an amino acid with highly similar properties. This variant was detected as heterozygous in individual(s) with no reported features of juvenile polyposis/hereditary hemorrhagic telangiectasia syndrome (Ambry internal data). This amino acid position is well conserved in available vertebrate species. In addition, the in silico prediction for this alteration is inconclusive. Based on the available evidence, the clinical significance of this variant remains unclear.

Labcorp Genetics (formerly Invitae), Labcorp
Classification: Likely benign for Juvenile polyposis syndrome. Last evaluated: 2025-07-19. Review status: criteria provided, single submitter. Criteria: Invitae Variant Classification Sherloc (09022015). Collection method: clinical testing. Allele origin: germline.

Color Diagnostics, LLC DBA Color Health
Classification: Likely benign for Hereditary cancer-predisposing syndrome. Last evaluated: 2024-11-18. Review status: criteria provided, single submitter. Criteria: ACMG Guidelines, 2015. Collection method: clinical testing. Allele origin: germline.

GeneDx
Classification: Uncertain significance. Last evaluated: 2024-01-04. Review status: criteria provided, single submitter. Criteria: GeneDx Variant Classification Process June 2021. Collection method: clinical testing. Allele origin: germline. Affected: yes.
Comment: Not observed at significant frequency in large population cohorts (gnomAD); In silico analysis supports that this missense variant has a deleterious effect on protein structure/function; Has not been previously published as pathogenic or benign to our knowledge; This variant is associated with the following publications: (PMID: 15235019, 18823382, 22992590)

Baylor Genetics
Classification: Uncertain significance for Juvenile polyposis/hereditary hemorrhagic telangiectasia syndrome. Last evaluated: 2023-07-27. Review status: criteria provided, single submitter. Criteria: ACMG Guidelines, 2015. Collection method: clinical testing. Allele origin: unknown.

All of Us Research Program, National Institutes of Health
Classification: Uncertain significance for Juvenile polyposis/hereditary hemorrhagic telangiectasia syndrome. Last evaluated: 2023-04-03. Review status: criteria provided, single submitter. Criteria: ACMG Guidelines, 2015. Collection method: clinical testing. Allele origin: germline. Inheritance: Autosomal dominant inheritance. Observed: 1 variant allele, 1 heterozygote.
Comment: This missense variant replaces proline with alanine at codon 203 of the SMAD4 protein. Computational prediction suggests that this variant may not impact protein structure and function (internally defined REVEL score threshold <= 0.5, PMID: 27666373). To our knowledge, functional studies have not been reported for this variant. This variant has not been reported in individuals affected with SMAD4-related disorders in the literature. This variant has been identified in 1/251488 chromosomes in the general population by the Genome Aggregation Database (gnomAD). The available evidence is insufficient to determine the role of this variant in disease conclusively. Therefore, this variant is classified as a Variant of Uncertain Significance.

This study involves interpretation of variants in research participants for the purpose of population health screening. Participant phenotype was not available at the time of variant classification. Additional details can be found in publication PMID: 35346344, PMCID: PMC8962531